The following is an entry in ClinVar:

ClinVar aggregate classification (germline): Uncertain significance (1 of 4 stars; one submission).

Allele frequency attached by ClinVar (database versions not stated): gnomAD 0.00001.
gnomAD v4.1: 4 of 1,613,880 alleles (0.00025%); highest among the groups gnomAD compares: Non-Finnish European, 0.00034%; no homozygotes.

Submission:

Center for Genomics, Ann and Robert H. Lurie Children's Hospital of Chicago
Classification: Uncertain significance. Last evaluated: 2021-03-30. Review status: criteria provided, single submitter. Criteria: ACMG Guidelines, 2015. Collection method: clinical testing. Allele origin: germline.
Comment: MYOM1 NM_003803.3 exon 15 p.Asp701Glu (c.2103C>G): This variant has not been reported in the literature but is present in 1/15016 European alleles in the Genome Aggregation Database. Evolutionary conservation and computational predictive tools suggest that this variant may impact the protein. In summary, data on this variant is insufficient for disease classification. Therefore, the clinical significance of this variant is uncertain.

NM_003803.4(MYOM1):c.2103C>G (p.Asp701Glu)

Gene: MYOM1 (myomesin 1; minus strand). Cytogenetic location: 18p11.31.
Variant type: single nucleotide variant.
Coding change: c.2103C>G on transcript NM_003803.4 (MANE Select); coding-DNA position 2103, C replaced by G.
Protein change: p.Asp701Glu; replaces aspartic acid 701 with glutamic acid.
Molecular consequence: missense variant.
Genome position (GRCh38, 1-based): chr18:3,135,653, G>C on the plus strand (C>G on the coding strand, the complement: MYOM1 is on the minus strand). VCF-style: chr18-3135653-G-C. GRCh37 (hg19) VCF-style: chr18-3135651-G-C.
Other names: c.2103C>G, p.Asp701Glu (NM_019856.2); short protein forms D701E.
Identifiers: ClinVar variation 2501729 (VCV002501729.1), dbSNP rs1229033915, ClinGen allele CA401713083.